The following is an entry in ClinVar:

ClinVar aggregate classification (germline): Uncertain significance (1 of 4 stars; one submission).

Conditions:
Hereditary cancer-predisposing syndrome. Also called: Neoplastic Syndromes, Hereditary; Tumor predisposition; Hereditary Cancer Syndrome; Hereditary neoplastic syndrome. Identifiers: Orphanet 140162, MedGen C0027672, MeSH D009386, MONDO:0015356.

Submission:

Ambry Genetics
Classification: Uncertain significance for Hereditary cancer-predisposing syndrome. Last evaluated: 2026-06-08. Review status: criteria provided, single submitter. Criteria: Ambry Variant Classification Scheme 2023. Collection method: clinical testing. Allele origin: germline.
Comment: The p.T130I variant (also known as c.389C>T), located in coding exon 5 of the MAX gene, results from a C to T substitution at nucleotide position 389. The threonine at codon 130 is replaced by isoleucine, an amino acid with similar properties. This amino acid position is conserved. In addition, the in silico prediction for this alteration is inconclusive. Based on the available evidence, the clinical significance of this variant remains unclear.

NM_002382.5(MAX):c.389C>T (p.Thr130Ile)

Gene: MAX (MYC associated transcriptional regulator X; minus strand). Cytogenetic location: 14q23.3.
Variant type: single nucleotide variant.
Coding change: c.389C>T on transcript NM_002382.5 (MANE Select); coding-DNA position 389, C replaced by T.
Protein change: p.Thr130Ile; replaces threonine 130 with isoleucine.
Molecular consequence: missense variant. On other transcripts: 3 prime UTR variant (12), non-coding transcript variant (7), intron variant (2).
Genome position (GRCh38, 1-based): chr14:65,076,570, G>A on the plus strand (C>T on the coding strand, the complement: MAX is on the minus strand). VCF-style: chr14-65076570-G-A. GRCh37 (hg19) VCF-style: chr14-65543288-G-A.
Other names: c.200C>T, p.Thr67Ile (NM_001320415.2, NM_001407105.1, NM_001407106.1 and 1 more transcripts); c.389C>T, p.Thr130Ile (NM_001407094.1); c.362C>T, p.Thr121Ile (NM_001407095.1, NM_145112.3); c.*162C>T (NM_001407096.1, NM_001407099.1, NM_001407102.1 and 2 more transcripts); c.*178C>T (NM_001407097.1, NM_001407100.1, NM_001407101.1 and 4 more transcripts); c.281C>T, p.Thr94Ile (NM_001407098.1); c.188C>T, p.Thr63Ile (NM_001407111.1, NM_001407112.1); c.144+17138C>T (NM_001271069.2); and 1 more; short protein forms T121I, T130I, T63I, T67I, T94I.
Identifiers: ClinVar variation 4859553 (VCV004859553.1).
Genomic context (GRCh38, chr14:65,076,570, plus strand): 5'-TGGGGCTCTTCAGGCTCAGACTCCGAGCTGGAGTCCGAGCCCCCATCGAAGGCAGAGATG[G>A]TGCTGCCCTTGGCGTTGGTGTAGAGGCTGTTGTCTGAGGAGGGGTAGTTGGTCTGCAGTT-3'
Protein context (NP_002373.3, residues 120-140): NSLYTNAKGS[Thr130Ile]ISAFDGGSDS